The following is an entry in ClinVar:

ClinVar aggregate classification (germline): Uncertain significance (1 of 4 stars; one submission).

Conditions:
Neurofibromatosis, type 2 (SWNV). Also called: BILATERAL ACOUSTIC NEUROFIBROMATOSIS; SCHWANNOMATOSIS, VESTIBULAR; NF2-Related Schwannomatosis. Identifiers: Orphanet 637, MedGen C0027832, MONDO:0007039, OMIM 101000. Disease mechanism: loss of function.

Submission:

Labcorp Genetics (formerly Invitae), Labcorp
Classification: Uncertain significance for Neurofibromatosis, type 2. Last evaluated: 2019-06-24. Review status: criteria provided, single submitter. Criteria: Invitae Variant Classification Sherloc (09022015). Collection method: clinical testing. Allele origin: germline.
Comment: This variant is a gross duplication of the genomic region encompassing exon 1 of the NF2 gene. The 5' end of this event is unknown as it extends beyond the assayed region for this gene and therefore may encompass additional genes. The 3' boundary is likely confined to intron 1 of the NF2 gene. The exact location of this variant in the genome is unknown. Duplication of exon 1 has not been reported in the literature in individuals with NF2-related disease. Experimental studies and prediction algorithms are not available for this variant, and the functional significance of the duplicated exon is currently unknown. In summary, the available evidence is currently insufficient to determine the role of this variant in disease. Therefore, it has been classified as a Variant of Uncertain Significance.

NC_000022.11:g.(?_29603989)_(29604122_?)dup

Gene: NF2 (NF2, moesin-ezrin-radixin like (MERLIN) tumor suppressor; plus strand). Cytogenetic location: 22q12.2.
Variant type: Duplication.
Identifiers: ClinVar variation 833475 (VCV000833475.1).